The following is an entry in ClinVar:

ClinVar aggregate classification (germline): Benign/Likely benign. Review status: criteria provided, multiple submitters, no conflicts (2 of 4 stars). 8 submissions from 8 submitters: Benign (4); Likely benign (2). 2 of the submissions do not count toward it. Last evaluated 2026-02-03.

Conditions:
RASopathy. Also called: rasopathies; Noonan spectrum disorder. Identifiers: Orphanet 536391, MedGen C5555857, MONDO:0021060.
Noonan syndrome-like disorder with loose anagen hair 1 (NSLH1). Also called: TOSTI SYNDROME; MAZZANTI SYNDROME. Identifiers: Orphanet 2701, MedGen C4478716, MONDO:0054637, OMIM 607721.

Allele frequency attached by ClinVar (database versions not stated): ExAC 0.01249; 1000 Genomes Project 30x 0.02092; 1000 Genomes Project 0.02236; gnomAD 0.00019 and 0.00320; TOPMed 0.00068; gnomAD exomes 0.00543 and 0.01116.

Submissions (8):

Labcorp Genetics (formerly Invitae), Labcorp
Classification: Benign for RASopathy. Last evaluated: 2026-02-03. Review status: criteria provided, single submitter. Criteria: Invitae Variant Classification Sherloc (09022015). Collection method: clinical testing. Allele origin: germline.

Blueprint Genetics
Classification: Likely benign. Last evaluated: 2024-11-27. Review status: criteria provided, single submitter. Criteria: ACMG Guidelines, 2015. Collection method: clinical testing. Allele origin: germline.

Women's Health and Genetics/Laboratory Corporation of America, LabCorp
Classification: Benign. Last evaluated: 2019-09-09. Review status: criteria provided, single submitter. Criteria: LabCorp Variant Classification Summary - May 2015. Collection method: clinical testing. Allele origin: germline.
Comment: Variant summary: SHOC2 c.841+12G>A alters a non-conserved nucleotide located close to a canonical splice site and therefore could affect mRNA splicing, leading to a significantly altered protein sequence. 5/5 computational tools predict no significant impact on normal splicing. However, these predictions have yet to be confirmed by functional studies. The variant allele was found at a frequency of 0.011 in 251252 control chromosomes, predominantly at a frequency of 0.088 within the South Asian subpopulation in the gnomAD database, including 155 homozygotes. The observed variant frequency within South Asian control individuals in the gnomAD database is approximately 3520-folds over the estimated maximal expected allele frequency for a pathogenic variant in SHOC2 causing Noonan Syndrome and Related Conditions phenotype (2.5e-05), strongly suggesting that the variant is a benign polymorphism found primarily in populations of South Asian origin. To our knowledge, no occurrence of c.841+12G>A in individuals affected with Noonan Syndrome and Related Conditions and no experimental evidence demonstrating its impact on protein function have been reported. A ClinVar submission (evaluation after 2014) cites the variant as benign. Based on the evidence outlined above, the variant was classified as benign.

Illumina Laboratory Services, Illumina
Classification: Benign for Noonan syndrome-like disorder with loose anagen hair 1. Last evaluated: 2018-01-13. Review status: criteria provided, single submitter. Criteria: ICSL Variant Classification Criteria 13 December 2019. Collection method: clinical testing. Allele origin: germline.
Comment: This variant was observed in the ICSL laboratory as part of a predisposition screen in an ostensibly healthy population. It had not been previously curated by ICSL or reported in the Human Gene Mutation Database (HGMD: prior to June 1st, 2018), and was therefore a candidate for classification through an automated scoring system. Utilizing variant allele frequency, disease prevalence and penetrance estimates, and inheritance mode, an automated score was calculated to assess if this variant is too frequent to cause the disease. Based on the score and internal cut-off values, a variant classified as benign is not then subjected to further curation. The score for this variant resulted in a classification of benign for this disease.

GeneDx
Classification: Benign. Last evaluated: 2012-08-10. Review status: criteria provided, single submitter. Criteria: GeneDx Variant Classification (06012015). Collection method: clinical testing. Allele origin: germline. Affected: yes.
Comment: This variant is considered likely benign or benign based on one or more of the following criteria: it is a conservative change, it occurs at a poorly conserved position in the protein, it is predicted to be benign by multiple in silico algorithms, and/or has population frequency not consistent with disease.

PreventionGenetics, part of Exact Sciences
Classification: Likely benign. Review status: criteria provided, single submitter. Criteria: ACMG Guidelines, 2015. Collection method: clinical testing. Allele origin: germline.

Clinical Genetics, Academic Medical Center
Classification: Benign. Review status: no assertion criteria provided. Collection method: clinical testing. Allele origin: germline. Affected: yes. Study: VKGL Data-share Consensus. Not counted in ClinVar's aggregate classification.

Joint Genome Diagnostic Labs from Nijmegen and Maastricht, Radboudumc and MUMC+
Classification: Likely benign. Review status: no assertion criteria provided. Collection method: clinical testing. Allele origin: germline. Affected: yes. Study: VKGL Data-share Consensus. Not counted in ClinVar's aggregate classification.

NM_007373.4(SHOC2):c.841+12G>A

Gene: SHOC2 (SHOC2 leucine rich repeat scaffold protein; plus strand). Cytogenetic location: 10q25.2.
Variant type: single nucleotide variant.
Coding change: c.841+12G>A on transcript NM_007373.4 (MANE Select); 12 bases into the intron after coding-DNA position 841, G replaced by A.
Molecular consequence: intron variant.
Genome position (GRCh38, 1-based): chr10:110,985,777, G>A. VCF-style: chr10-110985777-G-A. GRCh37 (hg19) VCF-style: chr10-112745535-G-A.
Other names: c.841+12G>A (NM_001324336.2, NM_001324337.2); c.704-14638G>A (NM_001269039.3).
Identifiers: ClinVar variation 139107 (VCV000139107.19), dbSNP rs201258692, ClinGen allele CA293480.